The following is an entry in ClinVar:

NM_004329.3(BMPR1A):c.113_114delinsGA (p.Asp38Gly)

Gene: BMPR1A (bone morphogenetic protein receptor type 1A; plus strand). Cytogenetic location: 10q23.2.
Variant type: Indel.
Coding change: c.113_114delinsGA on transcript NM_004329.3 (MANE Select); coding-DNA positions 113 to 114, AC replaced by GA.
Protein change: p.Asp38Gly; replaces aspartic acid 38 with glycine.
Molecular consequence: missense variant.
Genome position (GRCh38, 1-based): chr10:86,890,107-86,890,108, AC replaced by GA. VCF-style: chr10-86890107-AC-GA. GRCh37 (hg19) VCF-style: chr10-88649864-AC-GA.
Other names: c.113_114delACinsGA, p.Asp38Gly (NM_001406559.1, NM_001406560.1, NM_001406561.1 and 23 more transcripts); c.29_30delACinsGA, p.Asp10Gly (NM_001406584.1, NM_001406585.1, NM_001406586.1 and 2 more transcripts); short protein forms D10G, D38G.
Identifiers: ClinVar variation 1728055 (VCV001728055.2), dbSNP rs2539430825, ClinGen allele CA2580082071.

ClinVar aggregate classification (germline): Uncertain significance (1 of 4 stars; one submission).

Conditions:
Hereditary cancer-predisposing syndrome. Also called: Tumor predisposition; Neoplastic Syndromes, Hereditary; Hereditary Cancer Syndrome; Hereditary neoplastic syndrome. Identifiers: Orphanet 140162, MedGen C0027672, MeSH D009386, MONDO:0015356.

Submission:

Ambry Genetics
Classification: Uncertain significance for Hereditary cancer-predisposing syndrome. Last evaluated: 2021-11-24. Review status: criteria provided, single submitter. Criteria: Ambry Variant Classification Scheme 2023. Collection method: clinical testing. Allele origin: germline.
Comment: The c.113_114delACinsGA variant (also known as p.D38G), located in coding exon 2 of the BMPR1A gene, results from an in-frame deletion of AC and insertion of GA at nucleotide positions 113 to 114. This results in the substitution of the aspartic acid residue for a glycine residue at codon 38, an amino acid with similar properties. This amino acid position is not well conserved in available vertebrate species. In addition, this alteration is predicted to be neutral by in silico analysis (Choi Y et al. PLoS ONE. 2012; 7(10):e46688). Since supporting evidence is limited at this time, the clinical significance of this alteration remains unclear.